The following is an entry in ClinVar:

ClinVar aggregate classification (germline): Likely benign. Review status: criteria provided, single submitter (1 of 4 stars). 2 submissions from 2 submitters: Likely benign (1). 1 of the submissions does not count toward it. Last evaluated 2024-11-08.

Conditions:
PHACTR1-related disorder. Also called: PHACTR1-related condition.

Allele frequency attached by ClinVar (database versions not stated): 1000 Genomes Project 0.00040; 1000 Genomes Project 30x 0.00047; gnomAD 0.00070; ExAC 0.00073; gnomAD exomes 0.00076; TOPMed 0.00076; ESP Exome Variant Server 0.00124.
gnomAD v4.1: 1,149 of 1,524,124 alleles (0.075%); highest among the groups gnomAD compares: Non-Finnish European, 0.093%; no homozygotes.

Submissions (2):

Blueprint Genetics
Classification: Likely benign. Last evaluated: 2024-11-08. Review status: criteria provided, single submitter. Criteria: ACMG Guidelines, 2015. Collection method: clinical testing. Allele origin: germline.

PreventionGenetics, part of Exact Sciences
Classification: Likely benign for PHACTR1-related condition. Last evaluated: 2023-12-29. Review status: no assertion criteria provided. Collection method: clinical testing. Allele origin: germline. Not counted in ClinVar's aggregate classification.
Comment: This variant is classified as likely benign based on ACMG/AMP sequence variant interpretation guidelines (Richards et al. 2015 PMID: 25741868, with internal and published modifications).

NM_030948.6(PHACTR1):c.664+10C>T

Gene: PHACTR1 (phosphatase and actin regulator 1; plus strand). Cytogenetic location: 6p24.1.
Variant type: single nucleotide variant.
Coding change: c.664+10C>T on transcript NM_030948.6 (MANE Select); 10 bases into the intron after coding-DNA position 664, C replaced by T.
Molecular consequence: intron variant.
Genome position (GRCh38, 1-based): chr6:13,182,696, C>T. VCF-style: chr6-13182696-C-T. GRCh37 (hg19) VCF-style: chr6-13182928-C-T.
Other names: c.664+10C>T (NM_001242648.4, NM_001374581.2, NM_001322308.3 and 3 more transcripts); c.388+10C>T (NM_001322313.2, NM_001322312.3, NM_001322311.2 and 1 more transcripts); c.667+10C>T (NM_001322314.4).
Identifiers: ClinVar variation 3041114 (VCV003041114.3), dbSNP rs143168559, ClinGen allele CA3639084.